The following is an entry in ClinVar:

ClinVar aggregate classification (germline): Benign/Likely benign. Review status: criteria provided, multiple submitters, no conflicts (2 of 4 stars). 2 submissions from 2 submitters: Benign (1); Likely benign (1). Last evaluated 2025-01-24.

Conditions:
Hereditary cancer-predisposing syndrome. Also called: Neoplastic Syndromes, Hereditary; Tumor predisposition; Hereditary Cancer Syndrome; Hereditary neoplastic syndrome. Identifiers: Orphanet 140162, MedGen C0027672, MeSH D009386, MONDO:0015356.
Lynch syndrome 4 (LYNCH4). Also called: Colorectal cancer, hereditary nonpolyposis, type 4; Hereditary non-polyposis colorectal cancer, type 4. Identifiers: Orphanet 144, MedGen C1838333, MONDO:0013699, OMIM 614337. Disease mechanism: loss of function.

Submissions (2):

Myriad Genetics, Inc.
Classification: Benign for Lynch syndrome 4. Last evaluated: 2025-01-24. Review status: criteria provided, single submitter. Criteria: Myriad Autosomal Dominant, Autosomal Recessive and X-Linked Classification Criteria (2023). Collection method: clinical testing. Allele origin: unknown.
Comment: This variant is considered benign. This variant is a silent/synonymous amino acid change and it is not expected to impact splicing.

Ambry Genetics
Classification: Likely benign for Hereditary cancer-predisposing syndrome. Last evaluated: 2021-06-30. Review status: criteria provided, single submitter. Criteria: Ambry Variant Classification Scheme 2023. Collection method: clinical testing. Allele origin: germline.

NM_000535.7(PMS2):c.297T>C (p.Thr99=)

Gene: PMS2 (PMS1 homolog 2, mismatch repair system component; minus strand). Cytogenetic location: 7p22.1.
Variant type: single nucleotide variant.
Coding change: c.297T>C on transcript NM_000535.7 (MANE Select); coding-DNA position 297, T replaced by C.
Protein change: p.Thr99=; no amino-acid change (threonine 99 retained).
Molecular consequence: synonymous variant. On other transcripts: 5 prime UTR variant (35), non-coding transcript variant (1), intron variant (11).
Genome position (GRCh38, 1-based): chr7:6,003,746, A>G on the plus strand (T>C on the coding strand, the complement: PMS2 is on the minus strand). VCF-style: chr7-6003746-A-G. GRCh37 (hg19) VCF-style: chr7-6043377-A-G.
Other names: c.-109T>C (NM_001018040.1, NM_001322003.2, NM_001322004.2 and 14 more transcripts); c.297T>C, p.Thr99= (NM_001322006.2, NM_001322014.2, NM_001406869.1 and 8 more transcripts); c.-588T>C (NM_001322011.2, NM_001322012.2); c.-188T>C (NM_001322015.2, NM_001406875.1, NM_001406877.1 and 3 more transcripts); c.483T>C, p.Thr161= (NM_001406866.1); c.321T>C, p.Thr107= (NM_001406868.1); c.-135T>C (NM_001406880.1); c.-56T>C (NM_001406888.1, NM_001406889.1, NM_001406892.1 and 6 more transcripts); and 5 more.
Identifiers: ClinVar variation 1798394 (VCV001798394.3), dbSNP rs1583408662, ClinGen allele CA453647958.